The following is an entry in ClinVar:

NM_004655.4(AXIN2):c.2318A>T (p.Glu773Val)

Gene: AXIN2 (axin 2; minus strand). Cytogenetic location: 17q24.1.
Variant type: single nucleotide variant.
Coding change: c.2318A>T on transcript NM_004655.4 (MANE Select); coding-DNA position 2318, A replaced by T.
Protein change: p.Glu773Val; replaces glutamic acid 773 with valine.
Molecular consequence: missense variant.
Genome position (GRCh38, 1-based): chr17:65,533,999, T>A on the plus strand (A>T on the coding strand, the complement: AXIN2 is on the minus strand). VCF-style: chr17-65533999-T-A. GRCh37 (hg19) VCF-style: chr17-63530117-T-A.
Other names: c.2123A>T, p.Glu708Val (NM_001363813.1); short protein forms E708V, E773V.
Identifiers: ClinVar variation 1006866 (VCV001006866.8), dbSNP rs2043866613, ClinGen allele CA400675513.

ClinVar aggregate classification (germline): Uncertain significance (1 of 4 stars; one submission).

Conditions:
Oligodontia-cancer predisposition syndrome. Also called: TOOTH AGENESIS-COLORECTAL CANCER SYNDROME. Identifiers: Orphanet 300576, MedGen C1837750, MONDO:0012075, OMIM 608615. Disease mechanism: loss of function.

Submission:

Labcorp Genetics (formerly Invitae), Labcorp
Classification: Uncertain significance for Oligodontia-cancer predisposition syndrome. Last evaluated: 2020-09-30. Review status: criteria provided, single submitter. Criteria: Invitae Variant Classification Sherloc (09022015). Collection method: clinical testing. Allele origin: germline.
Comment: In summary, the available evidence is currently insufficient to determine the role of this variant in disease. Therefore, it has been classified as a Variant of Uncertain Significance. Algorithms developed to predict the effect of missense changes on protein structure and function (SIFT, PolyPhen-2, Align-GVGD) all suggest that this variant is likely to be disruptive, but these predictions have not been confirmed by published functional studies and their clinical significance is uncertain. This variant has not been reported in the literature in individuals with AXIN2-related conditions. This variant is not present in population databases (ExAC no frequency). This sequence change replaces glutamic acid with valine at codon 773 of the AXIN2 protein (p.Glu773Val). The glutamic acid residue is highly conserved and there is a moderate physicochemical difference between glutamic acid and valine.